The following is an entry in ClinVar:

NM_001318734.2(KLC2):c.1516C>T (p.Arg506Cys)

Gene: KLC2 (kinesin light chain 2; plus strand). Cytogenetic location: 11q13.2.
Variant type: single nucleotide variant.
Coding change: c.1516C>T on transcript NM_001318734.2 (MANE Select); coding-DNA position 1516, C replaced by T.
Protein change: p.Arg506Cys; replaces arginine 506 with cysteine.
Molecular consequence: missense variant.
Genome position (GRCh38, 1-based): chr11:66,265,926, C>T. VCF-style: chr11-66265926-C-T. GRCh37 (hg19) VCF-style: chr11-66033397-C-T.
Other names: c.1285C>T, p.Arg429Cys (NM_001134774.2); c.1516C>T, p.Arg506Cys (NM_001134775.2, NM_001134776.2, NM_022822.3); short protein forms R506C, R429C.
Identifiers: ClinVar variation 1484788 (VCV001484788.8), dbSNP rs767861682, ClinGen allele CA6117475.

ClinVar aggregate classification (germline): Uncertain significance (1 of 4 stars; one submission).

Allele frequency attached by ClinVar (database versions not stated): TOPMed 0.00003; 1000 Genomes Project 30x 0.00031.
gnomAD v4.1: 39 of 1,588,222 alleles (0.0025%); highest among the groups gnomAD compares: Non-Finnish European, 0.0033%; no homozygotes.

Submission:

Labcorp Genetics (formerly Invitae), Labcorp
Classification: Uncertain significance. Last evaluated: 2023-08-04. Review status: criteria provided, single submitter. Criteria: Invitae Variant Classification Sherloc (09022015). Collection method: clinical testing. Allele origin: germline.
Comment: This sequence change replaces arginine, which is basic and polar, with cysteine, which is neutral and slightly polar, at codon 506 of the KLC2 protein (p.Arg506Cys). This variant is present in population databases (rs767861682, gnomAD 0.007%). This variant has not been reported in the literature in individuals affected with KLC2-related conditions. ClinVar contains an entry for this variant (Variation ID: 1484788). An algorithm developed to predict the effect of missense changes on protein structure and function (PolyPhen-2) suggests that this variant is likely to be disruptive. In summary, the available evidence is currently insufficient to determine the role of this variant in disease. Therefore, it has been classified as a Variant of Uncertain Significance.